The following is an entry in ClinVar:

NM_001377.3(DYNC2H1):c.4698del (p.Gln1566fs)

Gene: DYNC2H1 (dynein cytoplasmic 2 heavy chain 1; plus strand). Cytogenetic location: 11q22.3.
Variant type: Deletion.
Coding change: c.4698del on transcript NM_001377.3 (MANE Select); coding-DNA position 4698, one base deleted (A; older notation c.4698delA).
Protein change: p.Gln1566fs; shifts the reading frame from glutamine 1566.
Molecular consequence: frameshift variant.
Genome position (GRCh38, 1-based): chr11:103,165,984, A deleted; the last of 2 consecutive A bases (chr11:103,165,983-103,165,984); deleting either gives the same sequence. VCF-style (leftmost placement, unchanged base first): chr11-103165982-CA-C. GRCh37 (hg19) VCF-style: chr11-103036711-CA-C.
Other names: c.4698del, p.Gln1566fs (NM_001080463.2); short protein forms Q1566fs.
Identifiers: ClinVar variation 591096 (VCV000591096.11), dbSNP rs1565359085, ClinGen allele CA891862825.

ClinVar aggregate classification (germline): Pathogenic/Likely pathogenic. Review status: criteria provided, multiple submitters, no conflicts (2 of 4 stars). 5 submissions from 5 submitters: Pathogenic (3); Likely pathogenic (1). 1 of the submissions does not count toward it. Last evaluated 2026-07-10.

Conditions:
Jeune thoracic dystrophy. Also called: Short-rib thoracic dysplasia; Jeune syndrome; Infantile thoracic dystrophy; Thoracic pelvic phalangeal dystrophy; Jeune's syndrome; Chondroectodermal dysplasia-like syndrome. Identifiers: Orphanet 474, MedGen C0265275, MONDO:0018770.
Asphyxiating thoracic dystrophy 3. Also called: SHORT-RIB THORACIC DYSPLASIA 3 WITH OR WITHOUT POLYDACTYLY; POLYDACTYLY WITH NEONATAL CHONDRODYSTROPHY, TYPE I; SHORT-RIB THORACIC DYSPLASIA 3/6 WITH POLYDACTYLY, DIGENIC; Short rib polydactyly syndrome 2B; Saldino-Noonan Syndrome. Identifiers: Orphanet 474, Orphanet 93269, Orphanet 93270, Orphanet 93271, MedGen C0036069, MONDO:0013127, OMIM 613091.

Submissions (5):

Myriad Genetics, Inc.
Classification: Pathogenic for Asphyxiating thoracic dystrophy 3. Last evaluated: 2026-07-10. Review status: criteria provided, single submitter. Criteria: Myriad Autosomal Dominant, Autosomal Recessive and X-Linked Classification Criteria (2023). Collection method: clinical testing. Allele origin: unknown.
Comment: NM_001377.2(DYNC2H1):c.4698delA(Q1566Hfs*3) is a frameshift variant classified as pathogenic in the context of DYNC2H1-related disorders. Q1566Hfs*3 has not been observed in cases with relevant disease. Relevant functional assessments of this variant are not available in the literature. Q1566Hfs*3 has not been observed in referenced population frequency databases. In summary, NM_001377.2(DYNC2H1):c.4698delA(Q1566Hfs*3) is a frameshift variant in a gene where loss of function is a known mechanism of disease and is predicted to disrupt protein function. Please note: this variant was assessed in the context of healthy population screening.

Labcorp Genetics (formerly Invitae), Labcorp
Classification: Pathogenic for Jeune thoracic dystrophy. Last evaluated: 2026-01-18. Review status: criteria provided, single submitter. Criteria: Invitae Variant Classification Sherloc (09022015). Collection method: clinical testing. Allele origin: germline.
Comment: This sequence change creates a premature translational stop signal (p.Gln1566Hisfs*3) in the DYNC2H1 gene. It is expected to result in an absent or disrupted protein product. Loss-of-function variants in DYNC2H1 are known to be pathogenic (PMID: 23339108, 32753734, 33755199). This variant is not present in population databases (gnomAD no frequency). This variant has not been reported in the literature in individuals affected with DYNC2H1-related conditions. ClinVar contains an entry for this variant (Variation ID: 591096). Algorithms developed to predict the effect of sequence changes on RNA splicing suggest that this variant may disrupt the consensus splice site. For these reasons, this variant has been classified as Pathogenic.

Fulgent Genetics
Classification: Pathogenic for Asphyxiating thoracic dystrophy 3. Last evaluated: 2024-03-29. Review status: criteria provided, single submitter. Criteria: ACMG Guidelines, 2015. Collection method: clinical testing. Allele origin: germline.

Revvity Omics, Revvity
Classification: Likely pathogenic for Asphyxiating thoracic dystrophy 3. Last evaluated: 2021-08-30. Review status: criteria provided, single submitter. Criteria: ACMG Guidelines, 2015. Collection method: clinical testing. Allele origin: germline.

Gharavi Laboratory, Columbia University
Classification: Uncertain significance. Last evaluated: 2018-09-16. Review status: no assertion criteria provided. Criteria: ACMG Guidelines, 2015. Collection method: research. Allele origin: germline. Affected: yes. Not counted in ClinVar's aggregate classification.

Literature cited by the submitters: PubMed 23339108 (cited by Labcorp Genetics (formerly Invitae), Labcorp); PubMed 32753734 (cited by Labcorp Genetics (formerly Invitae), Labcorp); PubMed 33755199 (cited by Labcorp Genetics (formerly Invitae), Labcorp).